The following is an entry in ClinVar:

NM_001267550.2(TTN):c.42855C>G (p.Ile14285Met)

Gene: TTN (titin; minus strand). Cytogenetic location: 2q31.2.
Variant type: single nucleotide variant.
Coding change: c.42855C>G on transcript NM_001267550.2 (MANE Select); coding-DNA position 42855, C replaced by G.
Protein change: p.Ile14285Met; replaces isoleucine 14285 with methionine.
Molecular consequence: missense variant.
Genome position (GRCh38, 1-based): chr2:178,633,504, G>C on the plus strand (C>G on the coding strand, the complement: TTN is on the minus strand). VCF-style: chr2-178633504-G-C. GRCh37 (hg19) VCF-style: chr2-179498231-G-C.
Other names: c.37932C>G, p.Ile12644Met (NM_001256850.1); c.15660C>G, p.Ile5220Met (NM_003319.4); c.35151C>G, p.Ile11717Met (NM_133378.4); c.16035C>G, p.Ile5345Met (NM_133432.3); c.16236C>G, p.Ile5412Met (NM_133437.4); short protein forms I5345M, I5412M, I14285M, I5220M, I12644M, I11717M.
Identifiers: ClinVar variation 1775360 (VCV001775360.2), dbSNP rs761517606, ClinGen allele CA349653644.

ClinVar aggregate classification (germline): Uncertain significance (1 of 4 stars; one submission).

Conditions:
Cardiovascular phenotype. Identifiers: MedGen CN230736.

gnomAD v4.1: 2 of 1,613,338 alleles (0.00012%); highest among the groups gnomAD compares: Non-Finnish European, 0.00017%; no homozygotes.

Submission:

Ambry Genetics
Classification: Uncertain significance for Cardiovascular phenotype. Last evaluated: 2020-02-28. Review status: criteria provided, single submitter. Criteria: Ambry Variant Classification Scheme 2023. Collection method: clinical testing. Allele origin: germline.
Comment: The p.I5220M variant (also known as c.15660C>G), located in coding exon 59 of the TTN gene, results from a C to G substitution at nucleotide position 15660. The isoleucine at codon 5220 is replaced by methionine, an amino acid with highly similar properties. This amino acid position is well conserved in available vertebrate species. In addition, this alteration is predicted to be tolerated by in silico analysis. Since supporting evidence is limited at this time, the clinical significance of this alteration remains unclear.